The following is an entry in ClinVar:

NM_001972.4(ELANE):c.779C>G (p.Pro260Arg)

Gene: ELANE (elastase, neutrophil expressed; plus strand). Cytogenetic location: 19p13.3.
Variant type: single nucleotide variant.
Coding change: c.779C>G on transcript NM_001972.4 (MANE Select); coding-DNA position 779, C replaced by G.
Protein change: p.Pro260Arg; replaces proline 260 with arginine.
Molecular consequence: missense variant.
Genome position (GRCh38, 1-based): chr19:856,139, C>G. VCF-style: chr19-856139-C-G. GRCh37 (hg19) VCF-style: chr19-856139-C-G.
Other names: short protein forms P260R.
Identifiers: ClinVar variation 3761430 (VCV003761430.3).

ClinVar aggregate classification (germline): Conflicting classifications of pathogenicity. Review status: criteria provided, conflicting classifications (1 of 4 stars). 2 submissions from 2 submitters: Uncertain significance (1); Likely benign (1). Last evaluated 2025-03-22.

Conditions:
Inborn genetic diseases. Identifiers: MedGen C0950123, MeSH D030342.
Neutropenia, severe congenital, 1, autosomal dominant. Identifiers: MedGen C1859966, MONDO:0042490, OMIM 202700.
Cyclical neutropenia. Also called: Cyclic hematopoiesis; Cyclic Neutropenia. Identifiers: Orphanet 2686, MedGen C0221023, MONDO:0008090, OMIM 162800, HP:0040289. Disease mechanism: loss of function.

Submissions (2):

Ambry Genetics
Classification: Likely benign for Inborn genetic diseases. Last evaluated: 2025-03-22. Review status: criteria provided, single submitter. Criteria: Ambry Variant Classification Scheme 2023. Collection method: clinical testing. Allele origin: germline.

Labcorp Genetics (formerly Invitae), Labcorp
Classification: Uncertain significance for Neutropenia, severe congenital, 1, autosomal dominant; Cyclical neutropenia. Last evaluated: 2024-05-13. Review status: criteria provided, single submitter. Criteria: Invitae Variant Classification Sherloc (09022015). Collection method: clinical testing. Allele origin: germline.
Comment: This sequence change replaces proline, which is neutral and non-polar, with arginine, which is basic and polar, at codon 260 of the ELANE protein (p.Pro260Arg). This variant is not present in population databases (gnomAD no frequency). This variant has not been reported in the literature in individuals affected with ELANE-related conditions. Advanced modeling of protein sequence and biophysical properties (such as structural, functional, and spatial information, amino acid conservation, physicochemical variation, residue mobility, and thermodynamic stability) performed at Invitae indicates that this missense variant is not expected to disrupt ELANE protein function with a negative predictive value of 80%. In summary, the available evidence is currently insufficient to determine the role of this variant in disease. Therefore, it has been classified as a Variant of Uncertain Significance.